The following is an entry in ClinVar:

NM_001385875.1(ZFYVE27):c.*582G>C

Gene: ZFYVE27 (zinc finger FYVE-type containing 27; plus strand). Cytogenetic location: 10q24.2.
Variant type: single nucleotide variant.
Coding change: c.*582G>C on transcript NM_001385875.1 (MANE Select); 582 bases downstream of the stop codon, G replaced by C.
Molecular consequence: 3 prime UTR variant. On other transcripts: non-coding transcript variant (17).
Genome position (GRCh38, 1-based): chr10:97,759,882, G>C. VCF-style: chr10-97759882-G-C. GRCh37 (hg19) VCF-style: chr10-99519639-G-C.
Other names: c.*582G>C (NM_001002261.4, NM_001002262.4, NM_001174119.2 and 39 more transcripts).
Identifiers: ClinVar variation 878909 (VCV000878909.4), dbSNP rs547156381, ClinGen allele CA212697550.

ClinVar aggregate classification (germline): Likely benign (1 of 4 stars; one submission).

Conditions:
Hereditary spastic paraplegia 33. Also called: SPASTIC PARAPLEGIA 33, AUTOSOMAL DOMINANT. Identifiers: MedGen C1853251, MONDO:0012448, OMIM 610244.

Allele frequency attached by ClinVar (database versions not stated): TOPMed 0.00026; gnomAD 0.00029 and 0.00030; 1000 Genomes Project 0.00080; 1000 Genomes Project 30x 0.00094.

Submission:

Illumina Laboratory Services, Illumina
Classification: Likely benign for Hereditary spastic paraplegia 33. Last evaluated: 2018-01-12. Review status: criteria provided, single submitter. Criteria: ICSL Variant Classification Criteria 13 December 2019. Collection method: clinical testing. Allele origin: germline.
Comment: This variant was observed in the ICSL laboratory as part of a predisposition screen in an ostensibly healthy population. It had not been previously curated by ICSL or reported in the Human Gene Mutation Database (HGMD: prior to June 1st, 2018), and was therefore a candidate for classification through an automated scoring system. Utilizing variant allele frequency, disease prevalence and penetrance estimates, and inheritance mode, an automated score was calculated to assess if this variant is too frequent to cause the disease. Based on the score and internal cut-off values, a variant classified as likely benign is not then subjected to further curation. The score for this variant resulted in a classification of likely benign for this disease.